The following is an entry in ClinVar:

ClinVar aggregate classification (germline): Uncertain significance. Review status: criteria provided, multiple submitters, no conflicts (2 of 4 stars). 2 submissions from 2 submitters: Uncertain significance (2). Last evaluated 2022-08-03.

Conditions:
Brown-Vialetto-van Laere syndrome 1. Also called: BROWN-VIALETTO-VAN LAERE SYNDROME 1, MILD; BULBAR PALSY, PROGRESSIVE, WITH SENSORINEURAL DEAFNESS; PONTOBULBAR PALSY WITH DEAFNESS. Identifiers: Orphanet 572550, Orphanet 97229, MedGen C0796274, MONDO:0024537, OMIM 211530.
Inborn genetic diseases. Identifiers: MedGen C0950123, MeSH D030342.

gnomAD v4.1: 6 of 1,609,358 alleles (0.00037%); highest among the groups gnomAD compares: Non-Finnish European, 0.00042%; no homozygotes.

Submissions (2):

Labcorp Genetics (formerly Invitae), Labcorp
Classification: Uncertain significance for Brown-Vialetto-van Laere syndrome 1. Last evaluated: 2022-08-03. Review status: criteria provided, single submitter. Criteria: Invitae Variant Classification Sherloc (09022015). Collection method: clinical testing. Allele origin: germline.
Comment: This sequence change replaces alanine, which is neutral and non-polar, with valine, which is neutral and non-polar, at codon 107 of the SLC52A3 protein (p.Ala107Val). This variant is present in population databases (no rsID available, gnomAD 0.0009%). This variant has not been reported in the literature in individuals affected with SLC52A3-related conditions. Algorithms developed to predict the effect of missense changes on protein structure and function are either unavailable or do not agree on the potential impact of this missense change (SIFT: "Deleterious"; PolyPhen-2: "Benign"; Align-GVGD: "Class C15"). In summary, the available evidence is currently insufficient to determine the role of this variant in disease. Therefore, it has been classified as a Variant of Uncertain Significance.

Ambry Genetics
Classification: Uncertain significance for Inborn genetic diseases. Last evaluated: 2019-10-29. Review status: criteria provided, single submitter. Criteria: Ambry Variant Classification Scheme 2023. Collection method: clinical testing. Allele origin: germline.
Comment: The p.A107V variant (also known as c.320C>T), located in coding exon 1 of the SLC52A3 gene, results from a C to T substitution at nucleotide position 320. The alanine at codon 107 is replaced by valine, an amino acid with similar properties. This amino acid position is not well conserved in available vertebrate species. In addition, the in silico prediction for this alteration is inconclusive. Since supporting evidence is limited at this time, the clinical significance of this alteration remains unclear.

NM_033409.4(SLC52A3):c.320C>T (p.Ala107Val)

Gene: SLC52A3 (solute carrier family 52 member 3; minus strand). Cytogenetic location: 20p13.
Variant type: single nucleotide variant.
Coding change: c.320C>T on transcript NM_033409.4 (MANE Select); coding-DNA position 320, C replaced by T.
Protein change: p.Ala107Val; replaces alanine 107 with valine.
Molecular consequence: missense variant.
Genome position (GRCh38, 1-based): chr20:765,455, G>A on the plus strand (C>T on the coding strand, the complement: SLC52A3 is on the minus strand). VCF-style: chr20-765455-G-A. GRCh37 (hg19) VCF-style: chr20-746099-G-A.
Other names: c.320C>T, p.Ala107Val (NM_001370085.1, NM_001370086.1); short protein forms A107V.
Identifiers: ClinVar variation 1728911 (VCV001728911.4), dbSNP rs1356046308, ClinGen allele CA407964082.